The following is an entry in ClinVar:

NM_017841.4(SDHAF2):c.243A>C (p.Glu81Asp)

Gene: SDHAF2 (succinate dehydrogenase complex assembly factor 2; plus strand). Cytogenetic location: 11q12.2.
Variant type: single nucleotide variant.
Coding change: c.243A>C on transcript NM_017841.4 (MANE Select); coding-DNA position 243, A replaced by C.
Protein change: p.Glu81Asp; replaces glutamic acid 81 with aspartic acid.
Molecular consequence: missense variant.
Genome position (GRCh38, 1-based): chr11:61,437,831, A>C. VCF-style: chr11-61437831-A-C. GRCh37 (hg19) VCF-style: chr11-61205303-A-C.
Other names: short protein forms E81D.
Identifiers: ClinVar variation 2563437 (VCV002563437.2), dbSNP rs2540124452, ClinGen allele CA380683853.
Genomic context (GRCh38, chr11:61,437,831, plus strand): 5'-ATCCATAGAAACCAAAAGAGCCCGCCTGCTCTATGAGAGCAGAAAGAGGGGAATGTTGGA[A>C]AACTGCATTCTTCTTAGGTATGGGACTAGGAGTCTTTTTTTTTAAATCGGGCAGCTTCCT-3'
Protein context (NP_060311.1, residues 71-91): LYESRKRGML[Glu81Asp]NCILLSLFAK

ClinVar aggregate classification (germline): Uncertain significance (1 of 4 stars; one submission).

Conditions:
Hereditary cancer-predisposing syndrome. Also called: Neoplastic Syndromes, Hereditary; Hereditary Cancer Syndrome; Hereditary neoplastic syndrome; Tumor predisposition. Identifiers: Orphanet 140162, MedGen C0027672, MeSH D009386, MONDO:0015356.

Allele frequency attached by ClinVar (database versions not stated): gnomAD exomes below 0.00001.

Submission:

Ambry Genetics
Classification: Uncertain significance for Hereditary cancer-predisposing syndrome. Last evaluated: 2023-03-19. Review status: criteria provided, single submitter. Criteria: Ambry Variant Classification Scheme 2023. Collection method: clinical testing. Allele origin: germline.
Comment: The p.E81D variant (also known as c.243A>C), located in coding exon 2 of the SDHAF2 gene, results from an A to C substitution at nucleotide position 243. The glutamic acid at codon 81 is replaced by aspartic acid, an amino acid with highly similar properties. This amino acid position is conserved. In addition, this alteration is predicted to be deleterious by in silico analysis. Since supporting evidence is limited at this time, the clinical significance of this alteration remains unclear.